The following is an entry in ClinVar:

ClinVar aggregate classification (germline): Likely benign (1 of 4 stars; one submission).

Conditions:
SDHD-related disorder. Also called: SDHD-related condition.

gnomAD v4.1: 6 of 383,534 alleles (0.0016%); highest among the groups gnomAD compares: Admixed American, 0.003%; no homozygotes.

Submission:

PreventionGenetics, part of Exact Sciences
Classification: Likely benign for SDHD-related condition. Last evaluated: 2025-11-04. Review status: criteria provided, single submitter. Criteria: ACMG Guidelines, 2015. Collection method: clinical testing. Allele origin: germline.
Comment: This variant is classified as likely benign based on ACMG/AMP sequence variant interpretation guidelines (Richards et al. 2015 PMID: 25741868, with internal and published modifications).

NM_003002.4(SDHD):c.315-1661G>A

Gene: SDHD (succinate dehydrogenase complex subunit D; plus strand). Cytogenetic location: 11q23.1.
Variant type: single nucleotide variant.
Coding change: c.315-1661G>A on transcript NM_003002.4 (MANE Select); 1661 bases into the intron before coding-DNA position 315, G replaced by A.
Molecular consequence: intron variant. On other transcripts: missense variant (1).
Genome position (GRCh38, 1-based): chr11:112,093,144, G>A. VCF-style: chr11-112093144-G-A. GRCh37 (hg19) VCF-style: chr11-111963868-G-A.
Other names: c.379G>A, p.Ala127Thr (NM_001276506.2); c.170-1661G>A (NM_001276503.2); c.198-1661G>A (NM_001276504.2); short protein forms A127T.
Identifiers: ClinVar variation 4979182 (VCV004979182.1).